The following is an entry in ClinVar:

NM_033026.6(PCLO):c.10979A>G (p.Asp3660Gly)

Gene: PCLO (piccolo presynaptic cytomatrix protein; minus strand). Cytogenetic location: 7q21.11.
Variant type: single nucleotide variant.
Coding change: c.10979A>G on transcript NM_033026.6 (MANE Select); coding-DNA position 10979, A replaced by G.
Protein change: p.Asp3660Gly; replaces aspartic acid 3660 with glycine.
Molecular consequence: missense variant.
Genome position (GRCh38, 1-based): chr7:82,949,609, T>C on the plus strand (A>G on the coding strand, the complement: PCLO is on the minus strand). VCF-style: chr7-82949609-T-C. GRCh37 (hg19) VCF-style: chr7-82578925-T-C.
Other names: c.10979A>G, p.Asp3660Gly (NM_014510.3); short protein forms D3660G.
Identifiers: ClinVar variation 1446930 (VCV001446930.5), dbSNP rs1440154939, ClinGen allele CA367900860.
Genomic context (GRCh38, chr7:82,949,609, plus strand): 5'-GACATAGAACGCTGCATCATCTTGGCTGTCTTAGGACTTGCTGGGGGAACTTTAGCCATA[T>C]CTGGATGCAGTACTTTCTGTGGACTTATATCATCAGGGAGGGGTTTTTCATAAGGTACAA-3'
Protein context (NP_149015.2, residues 3650-3670): DISPQKVLHP[Asp3660Gly]MAKVPPASPK

ClinVar aggregate classification (germline): Uncertain significance (1 of 4 stars; one submission).

Allele frequency attached by ClinVar (database versions not stated): gnomAD 0.00001; gnomAD exomes 0.00001; TOPMed 0.00001.
gnomAD v4.1: 11 of 1,613,790 alleles (0.00068%); highest among the groups gnomAD compares: Admixed American, 0.0017%; no homozygotes.

Submission:

Labcorp Genetics (formerly Invitae), Labcorp
Classification: Uncertain significance. Last evaluated: 2023-07-07. Review status: criteria provided, single submitter. Criteria: Invitae Variant Classification Sherloc (09022015). Collection method: clinical testing. Allele origin: germline.
Comment: Algorithms developed to predict the effect of sequence changes on RNA splicing suggest that this variant may disrupt the consensus splice site. In summary, the available evidence is currently insufficient to determine the role of this variant in disease. Therefore, it has been classified as a Variant of Uncertain Significance. Experimental studies and prediction algorithms are not available or were not evaluated, and the functional significance of this variant is currently unknown. ClinVar contains an entry for this variant (Variation ID: 1446930). This variant has not been reported in the literature in individuals affected with PCLO-related conditions. This variant is present in population databases (no rsID available, gnomAD 0.007%). This sequence change replaces aspartic acid, which is acidic and polar, with glycine, which is neutral and non-polar, at codon 3660 of the PCLO protein (p.Asp3660Gly).